The following is an entry in ClinVar:

NM_001376.5(DYNC1H1):c.265G>T (p.Gly89Cys)

Gene: DYNC1H1 (dynein cytoplasmic 1 heavy chain 1; plus strand). Cytogenetic location: 14q32.31.
Variant type: single nucleotide variant.
Coding change: c.265G>T on transcript NM_001376.5 (MANE Select); coding-DNA position 265, G replaced by T.
Protein change: p.Gly89Cys; replaces glycine 89 with cysteine.
Molecular consequence: missense variant.
Genome position (GRCh38, 1-based): chr14:101,975,720, G>T. VCF-style: chr14-101975720-G-T. GRCh37 (hg19) VCF-style: chr14-102442057-G-T.
Other names: short protein forms G89C.
Identifiers: ClinVar variation 4083444 (VCV004083444.1).

ClinVar aggregate classification (germline): Uncertain significance (1 of 4 stars; one submission).

Submission:

GeneDx
Classification: Uncertain significance. Last evaluated: 2025-03-13. Review status: criteria provided, single submitter. Criteria: GeneDx Variant Classification Process June 2021. Collection method: clinical testing. Allele origin: germline. Affected: yes.
Comment: Not observed at significant frequency in large population cohorts (gnomAD); In silico analysis indicates that this missense variant does not alter protein structure/function; Has not been previously published as pathogenic or benign to our knowledge; This variant is associated with the following publications: (PMID: 25512093, 25609763, 26100331)